The following is an entry in ClinVar:

ClinVar aggregate classification (germline): Uncertain significance (1 of 4 stars; one submission).

Conditions:
WDTC1-related disorder.

gnomAD v4.1: 2 of 1,614,000 alleles (0.00012%); highest among the groups gnomAD compares: East Asian, 0.0022%; no homozygotes.

Submission:

Daryl Scott Lab, Baylor College of Medicine
Classification: Uncertain significance for WDTC1-related disorder. Last evaluated: 2025-08-25. Review status: criteria provided, single submitter. Criteria: ACMG Guidelines, 2015. Collection method: clinical testing. Allele origin: de novo. Affected: yes. Observed: 1 heterozygote.
Comment: PS2, PP3

NM_001276252.2(WDTC1):c.1585C>T (p.Arg529Cys)

Gene: WDTC1 (WD and tetratricopeptide repeats 1; plus strand). Cytogenetic location: 1p36.11.
Variant type: single nucleotide variant.
Coding change: c.1585C>T on transcript NM_001276252.2 (MANE Select); coding-DNA position 1585, C replaced by T.
Protein change: p.Arg529Cys; replaces arginine 529 with cysteine.
Molecular consequence: missense variant.
Genome position (GRCh38, 1-based): chr1:27,303,737, C>T. VCF-style: chr1-27303737-C-T. GRCh37 (hg19) VCF-style: chr1-27630228-C-T.
Other names: c.1585C>T, p.Arg529Cys (NM_001410767.1); c.1582C>T, p.Arg528Cys (NM_015023.5); short protein forms R528C, R529C.
Identifiers: ClinVar variation 4539812 (VCV004539812.1).